The following is an entry in ClinVar:

NM_001927.4(DES):c.961A>G (p.Met321Val)

Gene: DES (desmin; plus strand). Cytogenetic location: 2q35.
Variant type: single nucleotide variant.
Coding change: c.961A>G on transcript NM_001927.4 (MANE Select); coding-DNA position 961, A replaced by G.
Protein change: p.Met321Val; replaces methionine 321 with valine.
Molecular consequence: missense variant. On other transcripts: intron variant (1).
Genome position (GRCh38, 1-based): chr2:219,420,891, A>G. VCF-style: chr2-219420891-A-G. GRCh37 (hg19) VCF-style: chr2-220285613-A-G.
Other names: c.958A>G, p.Met320Val (NM_001382708.1); c.961A>G, p.Met321Val (NM_001382710.1, NM_001382711.1, NM_001382712.1); c.691A>G, p.Met231Val (NM_001382713.1); c.735+545A>G (NM_001382709.1); short protein forms M231V, M320V, M321V.
Identifiers: ClinVar variation 1504958 (VCV001504958.9), dbSNP rs1954427673, ClinGen allele CA350692846.

ClinVar aggregate classification (germline): Uncertain significance. Review status: criteria provided, multiple submitters, no conflicts (2 of 4 stars). 2 submissions from 2 submitters: Uncertain significance (2). Last evaluated 2025-07-21.

Conditions:
Desmin-related myofibrillar myopathy (MFM1). Also called: MYOFIBRILLAR MYOPATHY WITH ARRHYTHMOGENIC RIGHT VENTRICULAR CARDIOMYOPATHY; DESMIN-RELATED MYOPATHY WITH ARRHYTHMOGENIC RIGHT VENTRICULAR CARDIOMYOPATHY; Desmin related myopathy (former name); Desmin storage myopathy (former name); Desminopathy; Myofibrillar myopathy 1. Identifiers: Orphanet 363543, Orphanet 98909, MedGen C1832370, MONDO:0011076, OMIM 601419.

Allele frequency attached by ClinVar (database versions not stated): gnomAD exomes below 0.00001.
gnomAD v4.1: 1 of 1,613,796 alleles (0.000062%); highest among the groups gnomAD compares: East Asian, 0.0022%; no homozygotes.

Submissions (2):

Women's Health and Genetics/Laboratory Corporation of America, LabCorp
Classification: Uncertain significance. Last evaluated: 2025-07-21. Review status: criteria provided, single submitter. Criteria: LabCorp Variant Classification Summary - May 2015. Collection method: clinical testing. Allele origin: germline.

Labcorp Genetics (formerly Invitae), Labcorp
Classification: Uncertain significance for Desmin-related myofibrillar myopathy. Last evaluated: 2022-03-19. Review status: criteria provided, single submitter. Criteria: Invitae Variant Classification Sherloc (09022015). Collection method: clinical testing. Allele origin: germline.
Comment: This sequence change replaces methionine, which is neutral and non-polar, with valine, which is neutral and non-polar, at codon 321 of the DES protein (p.Met321Val). In summary, the available evidence is currently insufficient to determine the role of this variant in disease. Therefore, it has been classified as a Variant of Uncertain Significance. Algorithms developed to predict the effect of sequence changes on RNA splicing suggest that this variant may create or strengthen a splice site. Algorithms developed to predict the effect of missense changes on protein structure and function (SIFT, PolyPhen-2, Align-GVGD) all suggest that this variant is likely to be tolerated. This variant has not been reported in the literature in individuals affected with DES-related conditions. This variant is not present in population databases (gnomAD no frequency).